The following is an entry in ClinVar:

ClinVar aggregate classification (germline): Uncertain significance (1 of 4 stars; one submission).

Conditions:
Cardiovascular phenotype. Identifiers: MedGen CN230736.

Submission:

Ambry Genetics
Classification: Uncertain significance for Cardiovascular phenotype. Last evaluated: 2021-08-19. Review status: criteria provided, single submitter. Criteria: Ambry Variant Classification Scheme 2023. Collection method: clinical testing. Allele origin: germline.
Comment: The p.A927P variant (also known as c.2779G>C), located in coding exon 16 of the SCN10A gene, results from a G to C substitution at nucleotide position 2779. The alanine at codon 927 is replaced by proline, an amino acid with highly similar properties. This amino acid position is conserved. In addition, this alteration is predicted to be tolerated by in silico analysis. Since supporting evidence is limited at this time, the clinical significance of this alteration remains unclear.

NM_006514.4(SCN10A):c.2779G>C (p.Ala927Pro)

Genes: SCN10A (sodium voltage-gated channel alpha subunit 10; minus strand), LOC110121288 (VISTA enhancer hs2268; plus strand). Cytogenetic location: 3p22.2.
Variant type: single nucleotide variant.
Coding change: c.2779G>C on transcript NM_006514.4 (MANE Select); coding-DNA position 2779, G replaced by C.
Protein change: p.Ala927Pro; replaces alanine 927 with proline.
Molecular consequence: missense variant.
Genome position (GRCh38, 1-based): chr3:38,726,914, C>G on the plus strand (G>C on the coding strand, the complement: SCN10A is on the minus strand). VCF-style: chr3-38726914-C-G. GRCh37 (hg19) VCF-style: chr3-38768405-C-G.
Other names: c.2779G>C, p.Ala927Pro (NM_001293306.2); c.2485G>C, p.Ala829Pro (NM_001293307.2); short protein forms A829P, A927P.
Identifiers: ClinVar variation 1795888 (VCV001795888.2), dbSNP rs774405519, ClinGen allele CA352158537.